The following is an entry in ClinVar:

NM_001278716.2(FBXL4):c.814G>A (p.Gly272Arg)

Gene: FBXL4 (F-box and leucine rich repeat protein 4; minus strand). Cytogenetic location: 6q16.2.
Variant type: single nucleotide variant.
Coding change: c.814G>A on transcript NM_001278716.2 (MANE Select); coding-DNA position 814, G replaced by A.
Protein change: p.Gly272Arg; replaces glycine 272 with arginine.
Molecular consequence: missense variant.
Genome position (GRCh38, 1-based): chr6:98,917,418, C>T on the plus strand (G>A on the coding strand, the complement: FBXL4 is on the minus strand). VCF-style: chr6-98917418-C-T. GRCh37 (hg19) VCF-style: chr6-99365294-C-T.
Other names: c.814G>A, p.Gly272Arg (NM_012160.5); short protein forms G272R.
Identifiers: ClinVar variation 437638 (VCV000437638.1), dbSNP rs767346377, ClinGen allele CA3933613.

ClinVar aggregate classification (germline): Uncertain significance (1 of 4 stars; one submission).

Conditions:
Mitochondrial DNA depletion syndrome 13. Also called: FBXL4-Related Encephalomyopathic Mitochondrial DNA Depletion Syndrome; Mitochondrial DNA depletion syndrome 13 (encephalomyopathic type). Identifiers: Orphanet 369897, MedGen C3809592, MONDO:0014198, OMIM 615471.

Allele frequency attached by ClinVar (database versions not stated): gnomAD 0.00001; gnomAD exomes 0.00001 and 0.00004; TOPMed 0.00001; ExAC 0.00003.
gnomAD v4.1: 18 of 1,612,704 alleles (0.0011%); highest among the groups gnomAD compares: East Asian, 0.016%; no homozygotes.

Submission:

Wong Mito Lab, Molecular and Human Genetics, Baylor College of Medicine
Classification: Uncertain significance for Mitochondrial DNA depletion syndrome 13. Last evaluated: 2017-08-10. Review status: criteria provided, single submitter. Criteria: ACMG Guidelines, 2015. Collection method: reference population. Allele origin: germline.
Comment: The NM_012160.4:c.814G>A (NP_036292.2:p.Gly272Arg) [GRCH38: NC_000006.12:g.98917418C>T] variant in FBXL4 gene is interpretated to be a Uncertain Significance - Insufficient Evidence based on ACMG guidelines (PMID: 25741868). This variant meets one or more of the following evidence codes reported in the ACMG-guideline. PM2:This variant is absent in key population databases. Based on this evidence code ClinGen Pathogenicity Calculator (PMID:28081714) suggested that the variant is Uncertain Significance - Insufficient Evidence.